The following is an entry in ClinVar:

NM_006734.4(HIVEP2):c.6312T>A (p.Asp2104Glu)

Gene: HIVEP2 (HIVEP zinc finger 2; minus strand). Cytogenetic location: 6q24.2.
Variant type: single nucleotide variant.
Coding change: c.6312T>A on transcript NM_006734.4 (MANE Select); coding-DNA position 6312, T replaced by A.
Protein change: p.Asp2104Glu; replaces aspartic acid 2104 with glutamic acid.
Molecular consequence: missense variant.
Genome position (GRCh38, 1-based): chr6:142,759,976, A>T on the plus strand (T>A on the coding strand, the complement: HIVEP2 is on the minus strand). VCF-style: chr6-142759976-A-T. GRCh37 (hg19) VCF-style: chr6-143081113-A-T.
Other names: short protein forms D2104E.
Identifiers: ClinVar variation 2784295 (VCV002784295.3), dbSNP rs1029062586, ClinGen allele CA365887013.

ClinVar aggregate classification (germline): Uncertain significance (1 of 4 stars; one submission).

Allele frequency attached by ClinVar (database versions not stated): TOPMed below 0.00001.

Submission:

Labcorp Genetics (formerly Invitae), Labcorp
Classification: Uncertain significance. Last evaluated: 2023-10-05. Review status: criteria provided, single submitter. Criteria: Invitae Variant Classification Sherloc (09022015). Collection method: clinical testing. Allele origin: germline.
Comment: This sequence change replaces aspartic acid, which is acidic and polar, with glutamic acid, which is acidic and polar, at codon 2104 of the HIVEP2 protein (p.Asp2104Glu). This variant is not present in population databases (gnomAD no frequency). This variant has not been reported in the literature in individuals affected with HIVEP2-related conditions. An algorithm developed to predict the effect of missense changes on protein structure and function (PolyPhen-2) suggests that this variant is likely to be tolerated. In summary, the available evidence is currently insufficient to determine the role of this variant in disease. Therefore, it has been classified as a Variant of Uncertain Significance.